The following is an entry in ClinVar:

NM_032193.4(RNASEH2C):c.37del (p.Arg13fs)

Genes: RNASEH2C (ribonuclease H2 subunit C; minus strand), LOC130006061 (ATAC-STARR-seq lymphoblastoid silent region 3553; plus strand). Cytogenetic location: 11q13.1.
Variant type: Deletion.
Coding change: c.37del on transcript NM_032193.4 (MANE Select); coding-DNA position 37, one base deleted (C; older notation c.37delC).
Protein change: p.Arg13fs; shifts the reading frame from arginine 13.
Molecular consequence: frameshift variant.
Genome position (GRCh38, 1-based): chr11:65,720,722, G deleted on the plus strand (C on the coding strand, the reverse complement: RNASEH2C is on the minus strand); the first of 2 consecutive G bases (chr11:65,720,722-65,720,723); deleting either gives the same sequence. VCF-style (leftmost placement, unchanged base first): chr11-65720721-CG-C. GRCh37 (hg19) VCF-style: chr11-65488192-CG-C.
Other names: short protein forms R13fs.
Identifiers: ClinVar variation 2102055 (VCV002102055.4), dbSNP rs773063301, ClinGen allele CA6107849.

ClinVar aggregate classification (germline): Uncertain significance (1 of 4 stars; one submission).

Conditions:
Aicardi-Goutieres syndrome 3. Identifiers: Orphanet 51, MedGen C1835916, MONDO:0012471, OMIM 610329.

Submission:

Labcorp Genetics (formerly Invitae), Labcorp
Classification: Uncertain significance for Aicardi-Goutieres syndrome 3. Last evaluated: 2022-02-22. Review status: criteria provided, single submitter. Criteria: Invitae Variant Classification Sherloc (09022015). Collection method: clinical testing. Allele origin: germline.
Comment: This sequence change creates a premature translational stop signal (p.Arg13Alafs*71) in the RNASEH2C gene. It is expected to result in an absent or disrupted protein product. However, the current clinical and genetic evidence is not sufficient to establish whether loss-of-function variants in RNASEH2C cause disease. This variant is not present in population databases (gnomAD no frequency). This variant has not been reported in the literature in individuals affected with RNASEH2C-related conditions. Experimental studies and prediction algorithms are not available or were not evaluated, and the functional significance of this variant is currently unknown. In summary, the available evidence is currently insufficient to determine the role of this variant in disease. Therefore, it has been classified as a Variant of Uncertain Significance.